The following is an entry in ClinVar:

ClinVar aggregate classification (germline): Likely benign. Review status: criteria provided, multiple submitters, no conflicts (2 of 4 stars). 5 submissions from 5 submitters: Likely benign (4). 1 of the submissions does not count toward it. Last evaluated 2025-12-24.

Conditions:
Hereditary cancer-predisposing syndrome. Also called: Hereditary neoplastic syndrome; Neoplastic Syndromes, Hereditary; Hereditary Cancer Syndrome; Tumor predisposition. Identifiers: Orphanet 140162, MedGen C0027672, MeSH D009386, MONDO:0015356.
Familial meningioma. Also called: Meningioma, familial, susceptibility to. Identifiers: Orphanet 263662, MedGen C3551915, MONDO:0011789, OMIM 607174.
SMARCE1-related disorder. Also called: SMARCE1-related condition.

Allele frequency attached by ClinVar (database versions not stated): 1000 Genomes Project 30x 0.00016; 1000 Genomes Project 0.00020; gnomAD 0.00030 and 0.00032; ESP Exome Variant Server 0.00031; TOPMed 0.00034.

Submissions (5):

Labcorp Genetics (formerly Invitae), Labcorp
Classification: Likely benign for Familial meningioma. Last evaluated: 2025-12-24. Review status: criteria provided, single submitter. Criteria: Invitae Variant Classification Sherloc (09022015). Collection method: clinical testing. Allele origin: germline.

Department of Pathology and Laboratory Medicine, Sinai Health System
Classification: Likely benign for familial meningioma. Last evaluated: 2025-02-04. Review status: criteria provided, single submitter. Criteria: ACMG Guidelines, 2015. Collection method: clinical testing. Allele origin: germline.

Blueprint Genetics
Classification: Likely benign. Last evaluated: 2023-05-12. Review status: criteria provided, single submitter. Criteria: ACMG Guidelines, 2015. Collection method: clinical testing. Allele origin: germline.

Ambry Genetics
Classification: Likely benign for Hereditary cancer-predisposing syndrome. Last evaluated: 2019-09-05. Review status: criteria provided, single submitter. Criteria: Ambry Variant Classification Scheme 2023. Collection method: clinical testing. Allele origin: germline.

PreventionGenetics, part of Exact Sciences
Classification: Likely benign for SMARCE1-related condition. Last evaluated: 2022-05-05. Review status: no assertion criteria provided. Collection method: clinical testing. Allele origin: germline. Not counted in ClinVar's aggregate classification.
Comment: This variant is classified as likely benign based on ACMG/AMP sequence variant interpretation guidelines (Richards et al. 2015 PMID: 25741868, with internal and published modifications).

NM_003079.5(SMARCE1):c.157-4G>A

Gene: SMARCE1 (SWI/SNF related BAF chromatin remodeling complex subunit E1; minus strand). Cytogenetic location: 17q21.2.
Variant type: single nucleotide variant.
Coding change: c.157-4G>A on transcript NM_003079.5 (MANE Select); 4 bases into the intron before coding-DNA position 157, G replaced by A.
Molecular consequence: intron variant.
Genome position (GRCh38, 1-based): chr17:40,637,576, C>T on the plus strand (G>A on the coding strand, the complement: SMARCE1 is on the minus strand). VCF-style: chr17-40637576-C-T. GRCh37 (hg19) VCF-style: chr17-38793828-C-T.
Identifiers: ClinVar variation 463417 (VCV000463417.20), dbSNP rs141832779, ClinGen allele CA8545294.